The following is an entry in ClinVar:

NM_014336.5(AIPL1):c.454G>T (p.Glu152Ter)

Gene: AIPL1 (AIP like 1 HSP90 co-chaperone; minus strand). Cytogenetic location: 17p13.2.
Variant type: single nucleotide variant.
Coding change: c.454G>T on transcript NM_014336.5 (MANE Select); coding-DNA position 454, G replaced by T.
Protein change: p.Glu152Ter; replaces glutamic acid 152 with a stop codon.
Molecular consequence: nonsense. On other transcripts: intron variant (1).
Genome position (GRCh38, 1-based): chr17:6,428,329, C>A on the plus strand (G>T on the coding strand, the complement: AIPL1 is on the minus strand). VCF-style: chr17-6428329-C-A. GRCh37 (hg19) VCF-style: chr17-6331649-C-A.
Other names: c.274G>T, p.Glu92Ter (NM_001033055.3); c.418G>T, p.Glu140Ter (NM_001285399.3); c.388G>T, p.Glu130Ter (NM_001285400.3); c.454G>T, p.Glu152Ter (NM_001285401.3, NM_001285403.4); c.337G>T, p.Glu113Ter (NM_001285402.2); c.277-1272G>T (NM_001033054.3); short protein forms E140*, E152*, E130*, E113*, E92*.
Identifiers: ClinVar variation 2799552 (VCV002799552.3), dbSNP rs150886208, ClinGen allele CA397396042.

ClinVar aggregate classification (germline): Pathogenic (1 of 4 stars; one submission).

Conditions:
Leber congenital amaurosis 4 (LCA4). Identifiers: MedGen C1858386, MONDO:0011458, OMIM 604393.

Submission:

Labcorp Genetics (formerly Invitae), Labcorp
Classification: Pathogenic for Leber congenital amaurosis 4. Last evaluated: 2023-02-03. Review status: criteria provided, single submitter. Criteria: Invitae Variant Classification Sherloc (09022015). Collection method: clinical testing. Allele origin: germline.
Comment: This sequence change creates a premature translational stop signal (p.Glu152*) in the AIPL1 gene. It is expected to result in an absent or disrupted protein product. Loss-of-function variants in AIPL1 are known to be pathogenic (PMID: 10615133, 15249368, 15347646). This variant is not present in population databases (gnomAD no frequency). This variant has not been reported in the literature in individuals affected with AIPL1-related conditions. For these reasons, this variant has been classified as Pathogenic.

Literature cited by the submitters: PubMed 10615133; PubMed 15249368; PubMed 15347646.